The following is an entry in ClinVar:

NM_031407.7(HUWE1):c.11018C>T (p.Thr3673Ile)

Gene: HUWE1 (HECT, UBA and WWE domain containing E3 ubiquitin protein ligase 1; minus strand). Cytogenetic location: Xp11.22.
Variant type: single nucleotide variant.
Coding change: c.11018C>T on transcript NM_031407.7 (MANE Select); coding-DNA position 11018, C replaced by T.
Protein change: p.Thr3673Ile; replaces threonine 3673 with isoleucine.
Molecular consequence: missense variant.
Genome position (GRCh38, 1-based): chrX:53,545,059, G>A on the plus strand (C>T on the coding strand, the complement: HUWE1 is on the minus strand). VCF-style: chrX-53545059-G-A. GRCh37 (hg19) VCF-style: chrX-53572020-G-A.
Other names: short protein forms T3673I.
Identifiers: ClinVar variation 1698182 (VCV001698182.2), dbSNP rs1556921577, ClinGen allele CA413167651.

ClinVar aggregate classification (germline): Uncertain significance (1 of 4 stars; one submission).

Submission:

GeneDx
Classification: Uncertain significance. Last evaluated: 2022-01-24. Review status: criteria provided, single submitter. Criteria: GeneDx Variant Classification Process June 2021. Collection method: clinical testing. Allele origin: germline. Affected: yes.
Comment: Not observed at significant frequency in large population cohorts (gnomAD); In silico analysis supports that this missense variant does not alter protein structure/function; Has not been previously published as pathogenic or benign to our knowledge